The following is an entry in ClinVar:

ClinVar aggregate classification (germline): Uncertain significance. Review status: criteria provided, multiple submitters, no conflicts (2 of 4 stars). 2 submissions from 2 submitters: Uncertain significance (2). Last evaluated 2026-08-02.

Conditions:
PDZD7-related disorder. Also called: PDZD7-related condition; PDZD7-related disorders.

Submissions (2):

PreventionGenetics, part of Exact Sciences
Classification: Uncertain significance for PDZD7-related condition. Last evaluated: 2026-08-02. Review status: criteria provided, single submitter. Criteria: ACMG Guidelines, 2015. Collection method: clinical testing. Allele origin: germline.
Comment: The PDZD7 c.2331_2342dup12 variant is predicted to result in an in-frame duplication (p.Arg781_Ser784dup). To our knowledge, this variant has not been reported in the literature. This variant is reported in 0.013% of alleles in individuals of African descent in gnomAD. At this time, the clinical significance of this variant is uncertain due to the absence of conclusive functional and genetic evidence.

Labcorp Genetics (formerly Invitae), Labcorp
Classification: Uncertain significance. Last evaluated: 2022-09-13. Review status: criteria provided, single submitter. Criteria: Invitae Variant Classification Sherloc (09022015). Collection method: clinical testing. Allele origin: germline.
Comment: This variant, c.2331_2342dup, is a complex sequence change that results in the insertion of 4 amino acid(s) in the PDZD7 protein (p.Arg781_Ser784dup). This variant is present in population databases (no rsID available, gnomAD 0.01%). This variant has not been reported in the literature in individuals affected with PDZD7-related conditions. Experimental studies and prediction algorithms are not available or were not evaluated, and the functional significance of this variant is currently unknown. In summary, the available evidence is currently insufficient to determine the role of this variant in disease. Therefore, it has been classified as a Variant of Uncertain Significance.

NM_001195263.2(PDZD7):c.2319TAGCCGCAGCCG[3] (p.773RS[8])

Gene: PDZD7 (PDZ domain containing 7; minus strand). Cytogenetic location: 10q24.31.
Variant type: Microsatellite.
Coding change: c.2319TAGCCGCAGCCG[3] on transcript NM_001195263.2 (MANE Select); three copies in a row of the 12-base unit TAGCCGCAGCCG starting at c.2319; the reference has two copies in a row; one copy, 12 bases duplicated.
Protein change: p.773RS[8].
Molecular consequence: inframe insertion.
Genome position (GRCh38, 1-based): chr10:101,010,547-101,010,558, CGGCTGCGGCTA duplicated on the plus strand (TAGCCGCAGCCG on the coding strand, the reverse complement: PDZD7 is on the minus strand); duplicating any 12 consecutive bases within chr10:101,010,547-101,010,575 gives the same sequence; the position shown is the placement nearest the transcript's 3' end. VCF-style (leftmost placement, unchanged base first): chr10-101010546-G-GCGGCTGCGGCTA. GRCh37 (hg19) VCF-style: chr10-102770303-G-GCGGCTGCGGCTA.
Other names: c.2331_2342dup12 (NM_001195263.1).
Identifiers: ClinVar variation 1418373 (VCV001418373.4), dbSNP rs762000985, ClinGen allele CA212978642.